The following is an entry in ClinVar:

ClinVar aggregate classification (germline): Uncertain significance (1 of 4 stars; one submission).

Submission:

Labcorp Genetics (formerly Invitae), Labcorp
Classification: Uncertain significance. Last evaluated: 2021-12-02. Review status: criteria provided, single submitter. Criteria: Invitae Variant Classification Sherloc (09022015). Collection method: clinical testing. Allele origin: germline.
Comment: In summary, the available evidence is currently insufficient to determine the role of this variant in disease. Therefore, it has been classified as a Variant of Uncertain Significance. This sequence change replaces glutamine, which is neutral and polar, with proline, which is neutral and non-polar, at codon 109 of the KIAA1161 protein (p.Gln109Pro). The frequency data for this variant in the population databases is considered unreliable, as metrics indicate poor data quality at this position in the gnomAD database. This variant has not been reported in the literature in individuals affected with KIAA1161-related conditions. Algorithms developed to predict the effect of missense changes on protein structure and function are either unavailable or do not agree on the potential impact of this missense change (SIFT: "Tolerated"; PolyPhen-2: "Not Available"; Align-GVGD: "Class C0").

NM_020702.5(MYORG):c.326A>C (p.Gln109Pro)

Gene: MYORG (myogenesis regulating glycosidase; minus strand). Cytogenetic location: 9p13.3.
Variant type: single nucleotide variant.
Coding change: c.326A>C on transcript NM_020702.5 (MANE Select); coding-DNA position 326, A replaced by C.
Protein change: p.Gln109Pro; replaces glutamine 109 with proline.
Molecular consequence: missense variant.
Genome position (GRCh38, 1-based): chr9:34,372,618, T>G on the plus strand (A>C on the coding strand, the complement: MYORG is on the minus strand). VCF-style: chr9-34372618-T-G. GRCh37 (hg19) VCF-style: chr9-34372616-T-G.
Other names: short protein forms Q109P.
Identifiers: ClinVar variation 1681324 (VCV001681324.6), dbSNP rs61738936, ClinGen allele CA5033182.